The following is an entry in ClinVar:

NM_004260.4(RECQL4):c.1585G>C (p.Val529Leu)

Gene: RECQL4 (RecQ like helicase 4; minus strand). Cytogenetic location: 8q24.3.
Variant type: single nucleotide variant.
Coding change: c.1585G>C on transcript NM_004260.4 (MANE Select); coding-DNA position 1585, G replaced by C.
Protein change: p.Val529Leu; replaces valine 529 with leucine.
Molecular consequence: missense variant.
Genome position (GRCh38, 1-based): chr8:144,514,971, C>G on the plus strand (G>C on the coding strand, the complement: RECQL4 is on the minus strand). VCF-style: chr8-144514971-C-G. GRCh37 (hg19) VCF-style: chr8-145740355-C-G.
Other names: short protein forms V529L.
Identifiers: ClinVar variation 970011 (VCV000970011.7), dbSNP rs1459761249, ClinGen allele CA372683584.

ClinVar aggregate classification (germline): Uncertain significance. Review status: criteria provided, multiple submitters, no conflicts (2 of 4 stars). 2 submissions from 2 submitters: Uncertain significance (2). Last evaluated 2024-11-18.

Conditions:
Baller-Gerold syndrome (BGS). Also called: CRANIOSYNOSTOSIS WITH RADIAL DEFECTS. Identifiers: Orphanet 1225, MedGen C0265308, MONDO:0009039, OMIM 218600.
Inborn genetic diseases. Identifiers: MedGen C0950123, MeSH D030342.

Allele frequency attached by ClinVar (database versions not stated): gnomAD exomes below 0.00001; gnomAD 0.00001; TOPMed 0.00002.
gnomAD v4.1: 3 of 1,611,814 alleles (0.00019%); highest among the groups gnomAD compares: African/African-American, 0.0013%; no homozygotes.

Submissions (2):

Ambry Genetics
Classification: Uncertain significance for Inborn genetic diseases. Last evaluated: 2024-11-18. Review status: criteria provided, single submitter. Criteria: Ambry Variant Classification Scheme 2023. Collection method: clinical testing. Allele origin: germline.
Comment: The p.V529L variant (also known as c.1585G>C), located in coding exon 9 of the RECQL4 gene, results from a G to C substitution at nucleotide position 1585. The valine at codon 529 is replaced by leucine, an amino acid with highly similar properties. This amino acid position is conserved. In addition, the in silico prediction for this alteration is inconclusive. Based on the available evidence, the clinical significance of this variant remains unclear.

Labcorp Genetics (formerly Invitae), Labcorp
Classification: Uncertain significance for Baller-Gerold syndrome. Last evaluated: 2024-10-02. Review status: criteria provided, single submitter. Criteria: Invitae Variant Classification Sherloc (09022015). Collection method: clinical testing. Allele origin: germline.
Comment: This sequence change replaces valine, which is neutral and non-polar, with leucine, which is neutral and non-polar, at codon 529 of the RECQL4 protein (p.Val529Leu). This variant is present in population databases (no rsID available, gnomAD 0.01%). This variant has not been reported in the literature in individuals affected with RECQL4-related conditions. ClinVar contains an entry for this variant (Variation ID: 970011). Invitae Evidence Modeling of protein sequence and biophysical properties (such as structural, functional, and spatial information, amino acid conservation, physicochemical variation, residue mobility, and thermodynamic stability) indicates that this missense variant is expected to disrupt RECQL4 protein function with a positive predictive value of 80%. In summary, the available evidence is currently insufficient to determine the role of this variant in disease. Therefore, it has been classified as a Variant of Uncertain Significance.